The following is an entry in ClinVar:

ClinVar aggregate classification (germline): Benign (1 of 4 stars; one submission).

Conditions:
Lethal polymalformative syndrome, Boissel type. Also called: GROWTH RETARDATION, DEVELOPMENTAL DELAY, AND FACIAL DYSMORPHISM. Identifiers: Orphanet 210144, MedGen C2752001, MONDO:0013050, OMIM 612938.

Allele frequency attached by ClinVar (database versions not stated): gnomAD 0.00188 and 0.00220; TOPMed 0.00416; 1000 Genomes Project 30x 0.00578; 1000 Genomes Project 0.00599.

Submission:

Illumina Laboratory Services, Illumina
Classification: Benign for Lethal polymalformative syndrome, Boissel type. Last evaluated: 2018-01-13. Review status: criteria provided, single submitter. Criteria: ICSL Variant Classification Criteria 13 December 2019. Collection method: clinical testing. Allele origin: germline.
Comment: This variant was observed in the ICSL laboratory as part of a predisposition screen in an ostensibly healthy population. It had not been previously curated by ICSL or reported in the Human Gene Mutation Database (HGMD: prior to June 1st, 2018), and was therefore a candidate for classification through an automated scoring system. Utilizing variant allele frequency, disease prevalence and penetrance estimates, and inheritance mode, an automated score was calculated to assess if this variant is too frequent to cause the disease. Based on the score and internal cut-off values, a variant classified as benign is not then subjected to further curation. The score for this variant resulted in a classification of benign for this disease.

NM_001080432.3(FTO):c.*1403C>T

Gene: FTO (FTO alpha-ketoglutarate dependent dioxygenase; plus strand). Cytogenetic location: 16q12.2.
Variant type: single nucleotide variant.
Coding change: c.*1403C>T on transcript NM_001080432.3 (MANE Select); 1403 bases downstream of the stop codon, C replaced by T.
Molecular consequence: 3 prime UTR variant.
Genome position (GRCh38, 1-based): chr16:54,113,318, C>T. VCF-style: chr16-54113318-C-T. GRCh37 (hg19) VCF-style: chr16-54147230-C-T.
Other names: c.*1403C>T (NM_001363891.2, NM_001363894.2, NM_001363896.2 and 6 more transcripts); c.*1521C>T (NM_001363903.2); c.*1579C>T (NM_001363988.2).
Identifiers: ClinVar variation 319712 (VCV000319712.5), dbSNP rs147129925, ClinGen allele CA10648575.
Genomic context (GRCh38, chr16:54,113,318, plus strand): 5'-TGGTGTCCCAAGAAATCGTGAGAATAGTTAGCCCCCCGTCTCCCCAGCCTGTTGCTTTCT[C>T]GTGTAGTTGTTCACAGTAGTTGAGAAGTTGAAGAGCTTTTGCCTATTGAAGGTGCACTGA-3'